The following is an entry in ClinVar:

NM_020461.4(TUBGCP6):c.3095G>A (p.Gly1032Asp)

Gene: TUBGCP6 (tubulin gamma complex component 6; minus strand). Cytogenetic location: 22q13.33.
Variant type: single nucleotide variant.
Coding change: c.3095G>A on transcript NM_020461.4 (MANE Select); coding-DNA position 3095, G replaced by A.
Protein change: p.Gly1032Asp; replaces glycine 1032 with aspartic acid.
Molecular consequence: missense variant.
Genome position (GRCh38, 1-based): chr22:50,221,264, C>T on the plus strand (G>A on the coding strand, the complement: TUBGCP6 is on the minus strand). VCF-style: chr22-50221264-C-T. GRCh37 (hg19) VCF-style: chr22-50659693-C-T.
Other names: short protein forms G1032D.
Identifiers: ClinVar variation 1407449 (VCV001407449.5), dbSNP rs2064518106, ClinGen allele CA412184932.
Genomic context (GRCh38, chr22:50,221,264, plus strand): 5'-GTGTTCCACCGTGGCCGGGTGGGAGCTATTTCAGAAGCGTAGTCCCCTGTGGGAAGACCA[C>T]CCCCTGACACCTGCCCAAAGAGCCGCTCTGTGGGCTGGCTGCTCCCCTCCTCCAGAGCAG-3'
Protein context (NP_065194.3, residues 1022-1042): TERLFGQVSG[Gly1032Asp]GLPTGDYASE

ClinVar aggregate classification (germline): Uncertain significance (1 of 4 stars; one submission).

Allele frequency attached by ClinVar (database versions not stated): TOPMed below 0.00001.
gnomAD v4.1: 2 of 1,614,070 alleles (0.00012%); highest among the groups gnomAD compares: Non-Finnish European, 0.00017%; no homozygotes.

Submission:

Labcorp Genetics (formerly Invitae), Labcorp
Classification: Uncertain significance. Last evaluated: 2021-12-02. Review status: criteria provided, single submitter. Criteria: Invitae Variant Classification Sherloc (09022015). Collection method: clinical testing. Allele origin: germline.
Comment: This sequence change replaces glycine, which is neutral and non-polar, with aspartic acid, which is acidic and polar, at codon 1032 of the TUBGCP6 protein (p.Gly1032Asp). This variant is not present in population databases (gnomAD no frequency). This variant has not been reported in the literature in individuals affected with TUBGCP6-related conditions. Algorithms developed to predict the effect of missense changes on protein structure and function output the following: SIFT: "Tolerated"; PolyPhen-2: "Benign"; Align-GVGD: "Class C0". The aspartic acid amino acid residue is found in multiple mammalian species, which suggests that this missense change does not adversely affect protein function. In summary, the available evidence is currently insufficient to determine the role of this variant in disease. Therefore, it has been classified as a Variant of Uncertain Significance.